The following is an entry in ClinVar:

ClinVar aggregate classification (germline): Uncertain significance (1 of 4 stars; one submission).

gnomAD v4.1: 1 of 1,596,644 alleles (0.000063%); highest among the groups gnomAD compares: African/African-American, 0.0013%; no homozygotes.

Submission:

Labcorp Genetics (formerly Invitae), Labcorp
Classification: Uncertain significance. Last evaluated: 2024-09-07. Review status: criteria provided, single submitter. Criteria: Invitae Variant Classification Sherloc (09022015). Collection method: clinical testing. Allele origin: germline.
Comment: This sequence change replaces leucine, which is neutral and non-polar, with phenylalanine, which is neutral and non-polar, at codon 3113 of the PKHD1L1 protein (p.Leu3113Phe). This variant is not present in population databases (gnomAD no frequency). This variant has not been reported in the literature in individuals affected with PKHD1L1-related conditions. Invitae Evidence Modeling of protein sequence and biophysical properties (such as structural, functional, and spatial information, amino acid conservation, physicochemical variation, residue mobility, and thermodynamic stability) indicates that this missense variant is expected to disrupt PKHD1L1 protein function with a positive predictive value of 80%. In summary, the available evidence is currently insufficient to determine the role of this variant in disease. Therefore, it has been classified as a Variant of Uncertain Significance.

NM_177531.6(PKHD1L1):c.9339A>C (p.Leu3113Phe)

Gene: PKHD1L1 (PKHD1 like 1; plus strand). Cytogenetic location: 8q23.1.
Variant type: single nucleotide variant.
Coding change: c.9339A>C on transcript NM_177531.6 (MANE Select); coding-DNA position 9339, A replaced by C.
Protein change: p.Leu3113Phe; replaces leucine 3113 with phenylalanine.
Molecular consequence: missense variant.
Genome position (GRCh38, 1-based): chr8:109,481,444, A>C. VCF-style: chr8-109481444-A-C. GRCh37 (hg19) VCF-style: chr8-110493673-A-C.
Other names: short protein forms L3113F.
Identifiers: ClinVar variation 3696021 (VCV003696021.2).